The following is an entry in ClinVar:

NM_001365088.1(SLC12A6):c.1592-39G>C

Gene: SLC12A6 (solute carrier family 12 member 6; minus strand). Cytogenetic location: 15q14.
Variant type: single nucleotide variant.
Coding change: c.1592-39G>C on transcript NM_001365088.1 (MANE Select); 39 bases into the intron before coding-DNA position 1592, G replaced by C.
Molecular consequence: intron variant.
Genome position (GRCh38, 1-based): chr15:34,250,394, C>G on the plus strand (G>C on the coding strand, the complement: SLC12A6 is on the minus strand). VCF-style: chr15-34250394-C-G. GRCh37 (hg19) VCF-style: chr15-34542595-C-G.
Other names: c.1415-39G>C (NM_001042495.2, NM_001042494.2); c.1565-39G>C (NM_001042496.2); c.1547-39G>C (NM_001042497.2); c.1592-39G>C (NM_133647.2); c.1439-39G>C (NM_005135.2).
Identifiers: ClinVar variation 3066206 (VCV003066206.1), dbSNP rs2509801230, ClinGen allele CA2740097941.

ClinVar aggregate classification (germline): Uncertain significance (1 of 4 stars; one submission).

Conditions:
Agenesis of the corpus callosum with peripheral neuropathy (ACCPN). Also called: Hereditary Motor and Sensory Neuropathy with Agenesis of the Corpus Callosum; POLYNEUROPATHY, SENSORIMOTOR, WITH OR WITHOUT AGENESIS OF THE CORPUS CALLOSUM; CHARLEVOIX DISEASE; HMSN/ACC. Identifiers: Orphanet 1496, MedGen C0795950, MONDO:0000902, OMIM 218000. Disease mechanism: loss of function.

Submission:

MVZ Medizinische Genetik Mainz
Classification: Uncertain significance for Agenesis of the corpus callosum with peripheral neuropathy. Last evaluated: 2023-02-14. Review status: criteria provided, single submitter. Criteria: UK Practice Guidelines For Variant Classification V4 01 2020. Collection method: clinical testing. Allele origin: germline. Inheritance: Autosomal recessive inheritance. Affected: yes. Observed: 1 variant allele.
Comment: ACMG Criteria: PM2_SUP; PP3, PM3_SUP